The following is an entry in ClinVar:

ClinVar aggregate classification (germline): Uncertain significance. Review status: criteria provided, multiple submitters, no conflicts (2 of 4 stars). 6 submissions from 6 submitters: Uncertain significance (6). Last evaluated 2025-10-23.

Conditions:
Hereditary cancer-predisposing syndrome. Also called: Tumor predisposition; Hereditary Cancer Syndrome; Hereditary neoplastic syndrome; Neoplastic Syndromes, Hereditary. Identifiers: Orphanet 140162, MedGen C0027672, MeSH D009386, MONDO:0015356.
Familial cancer of breast. Also called: BREAST CANCER, FAMILIAL; hereditary breast carcinoma; Hereditary breast cancer. Identifiers: Orphanet 227535, MedGen C0346153, MONDO:0016419, OMIM 114480. Disease mechanism: loss of function.
Fanconi anemia complementation group J. Also called: BRIP1-Related Fanconi Anemia. Identifiers: Orphanet 84, MedGen C1836860, MONDO:0012187, OMIM 609054.

Allele frequency attached by ClinVar (database versions not stated): gnomAD exomes 0.00002 and 0.00001; TOPMed 0.00004; ExAC 0.00002.
gnomAD v4.1: 6 of 1,613,968 alleles (0.00037%); highest among the groups gnomAD compares: Admixed American, 0.01%; no homozygotes.

Submissions (6):

Ambry Genetics
Classification: Uncertain significance for Hereditary cancer-predisposing syndrome. Last evaluated: 2025-10-23. Review status: criteria provided, single submitter. Criteria: Ambry Variant Classification Scheme 2023. Collection method: clinical testing. Allele origin: germline.
Comment: The p.S1117A variant (also known as c.3349T>G), located in coding exon 19 of the BRIP1 gene, results from a T to G substitution at nucleotide position 3349. The serine at codon 1117 is replaced by alanine, an amino acid with similar properties. This alteration was detected in a cohort of 381 unselected endometrial cancer patients, who underwent multi-gene panel testing (Ring KL et al. Mod. Pathol. 2016 Nov;29:1381-1389). This amino acid position is not well conserved in available vertebrate species. In addition, this alteration is predicted to be tolerated by in silico analysis. Since supporting evidence is limited at this time, the clinical significance of this alteration remains unclear.

Labcorp Genetics (formerly Invitae), Labcorp
Classification: Uncertain significance for Familial cancer of breast; Fanconi anemia complementation group J. Last evaluated: 2025-09-10. Review status: criteria provided, single submitter. Criteria: Invitae Variant Classification Sherloc (09022015). Collection method: clinical testing. Allele origin: germline.
Comment: This sequence change replaces serine, which is neutral and polar, with alanine, which is neutral and non-polar, at codon 1117 of the BRIP1 protein (p.Ser1117Ala). This variant is present in population databases (rs779860140, gnomAD 0.01%). This missense change has been observed in individual(s) with endometrial cancer (PMID: 27443514). ClinVar contains an entry for this variant (Variation ID: 185199). Invitae Evidence Modeling of protein sequence and biophysical properties (such as structural, functional, and spatial information, amino acid conservation, physicochemical variation, residue mobility, and thermodynamic stability) indicates that this missense variant is not expected to disrupt BRIP1 protein function with a negative predictive value of 95%. In summary, the available evidence is currently insufficient to determine the role of this variant in disease. Therefore, it has been classified as a Variant of Uncertain Significance.

Sema4
Classification: Uncertain significance for Hereditary cancer-predisposing syndrome. Last evaluated: 2021-12-17. Review status: criteria provided, single submitter. Criteria: Sema4 Curation Guidelines. Collection method: curation. Allele origin: germline.
Comment: The BRIP1 c.3349T>G (p.S1117A) variant has been reported in heterozygosity in at least one individual with endometrial carcinoma (PMID: 27443514). This variant was observed in 5/34590 chromosomes in the Latino population according to the Genome Aggregation Database (PMID: 32461654), and has been reported in ClinVar (Variation ID: 185199). Functional studies have not been performed, and in silico predictions of the variant's effect on protein function are inconclusive. Based on the current evidence available, this variant is interpreted as a variant of uncertain significance.

Color Diagnostics, LLC DBA Color Health
Classification: Uncertain significance for Hereditary cancer-predisposing syndrome. Last evaluated: 2019-11-22. Review status: criteria provided, single submitter. Criteria: ACMG Guidelines, 2015. Collection method: clinical testing. Allele origin: germline.
Comment: This missense variant replaces serine with alanine at codon 1117 of the BRIP1 protein. Computational prediction suggests that this variant may not impact protein structure and function (internally defined REVEL score threshold <= 0.5, PMID: 27666373). Splice site prediction tools suggest that this variant may not impact RNA splicing. To our knowledge, functional studies have not been performed for this variant. This variant has been reported in an individual affected with endometrial cancer (PMID: 27443514). This variant has also been identified in 6/250850 chromosomes in the general population by the Genome Aggregation Database (gnomAD). The available evidence is insufficient to determine the role of this variant in disease conclusively. Therefore, this variant is classified as a Variant of Uncertain Significance.

GeneDx
Classification: Uncertain significance. Last evaluated: 2019-10-24. Review status: criteria provided, single submitter. Criteria: GeneDx Variant Classification Process June 2021. Collection method: clinical testing. Allele origin: germline. Affected: yes.
Comment: In silico analysis, which includes protein predictors and evolutionary conservation, supports that this variant does not alter protein structure/function; Observed in individuals with endometrial cancer (Ring 2016); This variant is associated with the following publications: (PMID: 27443514)

Baylor Genetics
Classification: Uncertain significance for Familial cancer of breast. Last evaluated: 2019-08-24. Review status: criteria provided, single submitter. Criteria: ACMG Guidelines, 2015. Collection method: clinical testing. Allele origin: paternal. Affected: yes. Study: CSER-TexasKidsCanSeq.
Comment: This variant was determined to be of uncertain significance according to ACMG Guidelines, 2015 [PMID:25741868].

Literature cited by the submitters: PubMed 27443514 (cited by 3 submitters).

NM_032043.3(BRIP1):c.3349T>G (p.Ser1117Ala)

Gene: BRIP1 (BRCA1 interacting DNA helicase 1; minus strand). Cytogenetic location: 17q23.2.
Variant type: single nucleotide variant.
Coding change: c.3349T>G on transcript NM_032043.3 (MANE Select); coding-DNA position 3349, T replaced by G.
Protein change: p.Ser1117Ala; replaces serine 1117 with alanine.
Molecular consequence: missense variant.
Genome position (GRCh38, 1-based): chr17:61,683,697, A>C on the plus strand (T>G on the coding strand, the complement: BRIP1 is on the minus strand). VCF-style: chr17-61683697-A-C. GRCh37 (hg19) VCF-style: chr17-59761058-A-C.
Other names: short protein forms S1117A.
Identifiers: ClinVar variation 185199 (VCV000185199.20), dbSNP rs779860140, ClinGen allele CA191292.